The following is an entry in ClinVar:

NM_000051.4(ATM):c.2467G>C (p.Ala823Pro)

Gene: ATM (ATM serine/threonine kinase; plus strand). Cytogenetic location: 11q22.3.
Variant type: single nucleotide variant.
Coding change: c.2467G>C on transcript NM_000051.4 (MANE Select); coding-DNA position 2467, G replaced by C.
Protein change: p.Ala823Pro; replaces alanine 823 with proline.
Molecular consequence: missense variant.
Genome position (GRCh38, 1-based): chr11:108,267,171, G>C. VCF-style: chr11-108267171-G-C. GRCh37 (hg19) VCF-style: chr11-108137898-G-C.
Other names: c.2467G>C, p.Ala823Pro (NM_001351834.2); short protein forms A823P.
Identifiers: ClinVar variation 1791707 (VCV001791707.8), dbSNP rs786202895, ClinGen allele CA382543087.

ClinVar aggregate classification (germline): Uncertain significance. Review status: criteria provided, multiple submitters, no conflicts (2 of 4 stars). 2 submissions from 2 submitters: Uncertain significance (2). Last evaluated 2025-08-24.

Conditions:
Ataxia-telangiectasia syndrome (AT). Also called: Ataxia-telangiectasia, complementation group D; AT, COMPLEMENTATION GROUP C; ATAXIA-TELANGIECTASIA, COMPLEMENTATION GROUP A; ATAXIA-TELANGIECTASIA, FRESNO VARIANT; Ataxia-telangiectasia; LOUIS-BAR SYNDROME. Identifiers: Orphanet 100, MedGen C0004135, MONDO:0008840, OMIM 208900.
Hereditary cancer-predisposing syndrome. Also called: Neoplastic Syndromes, Hereditary; Tumor predisposition; Hereditary neoplastic syndrome; Hereditary Cancer Syndrome. Identifiers: Orphanet 140162, MedGen C0027672, MeSH D009386, MONDO:0015356.

Allele frequency attached by ClinVar (database versions not stated): gnomAD exomes below 0.00001.
gnomAD v4.1: 1 of 1,613,784 alleles (0.000062%); highest among the groups gnomAD compares: Non-Finnish European, 0.000085%; no homozygotes.

Submissions (2):

Ambry Genetics
Classification: Uncertain significance for Hereditary cancer-predisposing syndrome. Last evaluated: 2025-08-24. Review status: criteria provided, single submitter. Criteria: Ambry Variant Classification Scheme 2023. Collection method: clinical testing. Allele origin: germline.
Comment: The p.A823P variant (also known as c.2467G>C) is located in coding exon 16 of the ATM gene. The alanine at codon 823 is replaced by proline, an amino acid with highly similar properties. This change occurs in the first base pair of coding exon 16. This amino acid position is not well conserved in available vertebrate species. In addition, this alteration is predicted to be tolerated by in silico analysis. Since supporting evidence is limited at this time, the clinical significance of this alteration remains unclear.

Labcorp Genetics (formerly Invitae), Labcorp
Classification: Uncertain significance for Ataxia-telangiectasia syndrome. Last evaluated: 2025-05-27. Review status: criteria provided, single submitter. Criteria: Invitae Variant Classification Sherloc (09022015). Collection method: clinical testing. Allele origin: germline.
Comment: This sequence change replaces alanine, which is neutral and non-polar, with proline, which is neutral and non-polar, at codon 823 of the ATM protein (p.Ala823Pro). This variant is not present in population databases (gnomAD no frequency). This variant has not been reported in the literature in individuals affected with ATM-related conditions. ClinVar contains an entry for this variant (Variation ID: 1791707). An algorithm developed to predict the effect of missense changes on protein structure and function (PolyPhen-2) suggests that this variant is likely to be tolerated. In summary, the available evidence is currently insufficient to determine the role of this variant in disease. Therefore, it has been classified as a Variant of Uncertain Significance.